The following is an entry in ClinVar:

ClinVar aggregate classification (germline): Pathogenic (1 of 4 stars; one submission).

Conditions:
Retinitis pigmentosa 4 (RP4). Also called: RETINITIS PIGMENTOSA, RHODOPSIN-RELATED. Identifiers: Orphanet 791, MedGen C3151001, MONDO:0013395, OMIM 613731.

Submission:

Institute of Human Genetics, University of Leipzig Medical Center
Classification: Pathogenic for Retinitis pigmentosa 4. Last evaluated: 2025-12-04. Review status: criteria provided, single submitter. Criteria: ACMG Guidelines, 2015. Collection method: clinical testing. Allele origin: unknown. Inheritance: Autosomal dominant inheritance. Affected: yes.
Comment: Criteria applied: PS1,PS3,PS4_MOD,PM2,PM5,PP3

NM_000539.3(RHO):c.84G>C (p.Gln28His)

Gene: RHO (rhodopsin; plus strand). Cytogenetic location: 3q22.1.
Variant type: single nucleotide variant.
Coding change: c.84G>C on transcript NM_000539.3 (MANE Select); coding-DNA position 84, G replaced by C.
Protein change: p.Gln28His; replaces glutamine 28 with histidine.
Molecular consequence: missense variant.
Genome position (GRCh38, 1-based): chr3:129,528,817, G>C. VCF-style: chr3-129528817-G-C. GRCh37 (hg19) VCF-style: chr3-129247660-G-C.
Other names: short protein forms Q28H.
Identifiers: ClinVar variation 4683081 (VCV004683081.1).